The following is an entry in ClinVar:

ClinVar aggregate classification (germline): Pathogenic (1 of 4 stars; one submission).

Conditions:
Neurofibromatosis, type 1 (NF1). Also called: VON RECKLINGHAUSEN DISEASE; Peripheral type neurofibromatosis; NEUROFIBROMATOSIS, TYPE I, SOMATIC; Neurofibromatosis, type I. Identifiers: Orphanet 636, MedGen C0027831, MONDO:0018975, OMIM 162200. Disease mechanism: loss of function.

Submission:

Labcorp Genetics (formerly Invitae), Labcorp
Classification: Pathogenic for Neurofibromatosis, type 1. Last evaluated: 2025-03-19. Review status: criteria provided, single submitter. Criteria: Invitae Variant Classification Sherloc (09022015). Collection method: clinical testing. Allele origin: germline.
Comment: This sequence change affects an acceptor splice site in intron 23 of the NF1 gene. It is expected to disrupt RNA splicing. Variants that disrupt the donor or acceptor splice site typically lead to a loss of protein function (PMID: 16199547), and loss-of-function variants in NF1 are known to be pathogenic (PMID: 10712197, 23913538). This variant is not present in population databases (gnomAD no frequency). Disruption of this splice site has been observed in individual(s) with clinical features of neurofibromatosis, type 1 (internal data). Algorithms developed to predict the effect of sequence changes on RNA splicing suggest that this variant may disrupt the consensus splice site. For these reasons, this variant has been classified as Pathogenic.

Literature cited by the submitters: PubMed 16199547; PubMed 10712197; PubMed 23913538.

NM_001042492.3(NF1):c.3114-2A>T

Gene: NF1 (neurofibromin 1; plus strand). Cytogenetic location: 17q11.2.
Variant type: single nucleotide variant.
Coding change: c.3114-2A>T on transcript NM_001042492.3 (MANE Select); the canonical splice acceptor site of the intron before coding-DNA position 3114, A replaced by T.
Molecular consequence: splice acceptor variant.
Genome position (GRCh38, 1-based): chr17:31,230,840, A>T. VCF-style: chr17-31230840-A-T. GRCh37 (hg19) VCF-style: chr17-29557858-A-T.
Other names: c.3114-2A>T (NM_000267.4).
Identifiers: ClinVar variation 4739055 (VCV004739055.1).